The following is an entry in ClinVar:

ClinVar aggregate classification (germline): Uncertain significance (0 of 4 stars; one submission).

Submission:

Department of Pathology and Laboratory Medicine, Sinai Health System
Classification: Uncertain significance. Review status: no assertion criteria provided. Collection method: clinical testing. Allele origin: unknown. Affected: yes. Study: The Canadian Open Genetics Repository (COGR).
Comment: The PUF60 p.Arg344Gly variant was not identified in the literature nor was it identified in dbSNP, ClinVar, Cosmic, LOVD 3.0 or in the following control databases: the 1000 Genomes Project, the NHLBI GO Exome Sequencing Project, the Exome Aggregation Consortium (August 8th 2016), or the Genome Aggregation Database (Feb 27, 2017). The p.Arg344 residue is conserved in mammals and computational analyses (PolyPhen-2, SIFT, AlignGVGD, BLOSUM, MutationTaster) provide inconsistent predictions regarding the impact to the protein; this information is not very predictive of pathogenicity. The variant occurs outside of the splicing consensus sequence and in silico or computational prediction software programs (SpliceSiteFinder, MaxEntScan, NNSPLICE, GeneSplicer) do not predict a difference in splicing. In summary, based on the above information the clinical significance of this variant cannot be determined with certainty at this time. This variant is classified as a variant of uncertain significance.

NM_078480.3(PUF60):c.1159C>G (p.Arg387Gly)

Gene: PUF60 (poly(U) binding splicing factor 60; minus strand). Cytogenetic location: 8q24.3.
Variant type: single nucleotide variant.
Coding change: c.1159C>G on transcript NM_078480.3 (MANE Select); coding-DNA position 1159, C replaced by G.
Protein change: p.Arg387Gly; replaces arginine 387 with glycine.
Molecular consequence: missense variant.
Genome position (GRCh38, 1-based): chr8:143,817,131, G>C on the plus strand (C>G on the coding strand, the complement: PUF60 is on the minus strand). VCF-style: chr8-143817131-G-C. GRCh37 (hg19) VCF-style: chr8-144899301-G-C.
Other names: c.1030C>G, p.Arg344Gly (NM_001136033.3); c.1105C>G, p.Arg369Gly (NM_001271096.2); c.1021C>G, p.Arg341Gly (NM_001271097.2); c.1156C>G, p.Arg386Gly (NM_001271098.2); c.1072C>G, p.Arg358Gly (NM_001271099.2); c.979C>G, p.Arg327Gly (NM_001271100.2); c.1270C>G, p.Arg424Gly (NM_001362895.2, NM_001362896.2); c.1219C>G, p.Arg407Gly (NM_001362897.2); and 1 more; short protein forms R327G, R341G, R344G, R358G, R369G, R370G, R386G, R387G.
Identifiers: ClinVar variation 1050229 (VCV001050229.1), dbSNP rs1360290859, ClinGen allele CA372487827.